The following is an entry in ClinVar:

NM_004618.5(TOP3A):c.1213C>T (p.Arg405Cys)

Gene: TOP3A (DNA topoisomerase III alpha; minus strand). Cytogenetic location: 17p11.2.
Variant type: single nucleotide variant.
Coding change: c.1213C>T on transcript NM_004618.5 (MANE Select); coding-DNA position 1213, C replaced by T.
Protein change: p.Arg405Cys; replaces arginine 405 with cysteine.
Molecular consequence: missense variant.
Genome position (GRCh38, 1-based): chr17:18,292,713, G>A on the plus strand (C>T on the coding strand, the complement: TOP3A is on the minus strand). VCF-style: chr17-18292713-G-A. GRCh37 (hg19) VCF-style: chr17-18196027-G-A.
Other names: c.1213C>T (NM_004618.4); c.928C>T, p.Arg310Cys (NM_001320759.2); short protein forms R310C, R405C.
Identifiers: ClinVar variation 1599623 (VCV001599623.11), dbSNP rs76300532, ClinGen allele CA8429977.

ClinVar aggregate classification (germline): Benign. Review status: criteria provided, multiple submitters, no conflicts (2 of 4 stars). 3 submissions from 3 submitters: Benign (2). 1 of the submissions does not count toward it. Last evaluated 2026-01-26.

Conditions:
TOP3A-related disorder. Also called: TOP3A-related disorders; TOP3A-related condition.

Allele frequency attached by ClinVar (database versions not stated): gnomAD exomes 0.00105; ExAC 0.00374; 1000 Genomes Project 0.01238; ESP Exome Variant Server 0.01292; 1000 Genomes Project 30x 0.01296.

Submissions (3):

Labcorp Genetics (formerly Invitae), Labcorp
Classification: Benign. Last evaluated: 2026-01-26. Review status: criteria provided, single submitter. Criteria: Invitae Variant Classification Sherloc (09022015). Collection method: clinical testing. Allele origin: germline.

Breakthrough Genomics
Classification: Benign. Review status: criteria provided, single submitter. Criteria: ACMG Guidelines, 2015. Collection method: not provided. Allele origin: germline. Inheritance: Autosomal recessive inheritance. Affected: yes.

PreventionGenetics, part of Exact Sciences
Classification: Benign for TOP3A-related condition. Last evaluated: 2019-06-17. Review status: no assertion criteria provided. Collection method: clinical testing. Allele origin: germline. Not counted in ClinVar's aggregate classification.
Comment: This variant is classified as benign based on ACMG/AMP sequence variant interpretation guidelines (Richards et al. 2015 PMID: 25741868, with internal and published modifications).